The following is an entry in ClinVar:

NM_000038.6(APC):c.3932T>C (p.Ile1311Thr)

Gene: APC (APC regulator of Wnt signaling pathway; plus strand). Cytogenetic location: 5q22.2.
Variant type: single nucleotide variant.
Coding change: c.3932T>C on transcript NM_000038.6 (MANE Select); coding-DNA position 3932, T replaced by C.
Protein change: p.Ile1311Thr; replaces isoleucine 1311 with threonine.
Molecular consequence: missense variant.
Genome position (GRCh38, 1-based): chr5:112,839,526, T>C. VCF-style: chr5-112839526-T-C. GRCh37 (hg19) VCF-style: chr5-112175223-T-C.
Other names: c.3809T>C, p.Ile1270Thr (NM_001354900.2); c.3755T>C, p.Ile1252Thr (NM_001354901.2); c.3659T>C, p.Ile1220Thr (NM_001354902.2); c.3629T>C, p.Ile1210Thr (NM_001354903.2); c.3554T>C, p.Ile1185Thr (NM_001354904.2); c.3452T>C, p.Ile1151Thr (NM_001354905.2); c.3083T>C, p.Ile1028Thr (NM_001354906.2); c.3932T>C, p.Ile1311Thr (NM_001127510.3, NM_001354895.2); and 5 more; short protein forms I1293T, I1311T, I1185T, I1321T, I1028T, I1151T, I1210T, I1270T.
Identifiers: ClinVar variation 489449 (VCV000489449.11), dbSNP rs876659190, ClinGen allele CA16029964.
Genomic context (GRCh38, chr5:112,839,526, plus strand): 5'-AGACGACACAGGAAGCAGATTCTGCTAATACCCTGCAAATAGCAGAAATAAAAGAAAAGA[T>C]TGGAACTAGGTCAGCTGAAGATCCTGTGAGCGAAGTTCCAGCAGTGTCACAGCACCCTAG-3'
Protein context (NP_000029.2, residues 1301-1321): TLQIAEIKEK[Ile1311Thr]GTRSAEDPVS

ClinVar aggregate classification (germline): Uncertain significance. Review status: criteria provided, multiple submitters, no conflicts (2 of 4 stars). 2 submissions from 2 submitters: Uncertain significance (2). Last evaluated 2022-12-01.

Conditions:
Familial adenomatous polyposis 1 (FAP1). Also called: POLYPOSIS, ADENOMATOUS INTESTINAL; FAMILIAL ADENOMATOUS POLYPOSIS 1, ATTENUATED. Identifiers: MedGen C2713442, MONDO:0021056, OMIM 175100. Disease mechanism: loss of function.
Hereditary cancer-predisposing syndrome. Also called: Hereditary Cancer Syndrome; Neoplastic Syndromes, Hereditary; Tumor predisposition; Hereditary neoplastic syndrome. Identifiers: Orphanet 140162, MedGen C0027672, MeSH D009386, MONDO:0015356.

Submissions (2):

Labcorp Genetics (formerly Invitae), Labcorp
Classification: Uncertain significance for Familial adenomatous polyposis 1. Last evaluated: 2022-12-01. Review status: criteria provided, single submitter. Criteria: Invitae Variant Classification Sherloc (09022015). Collection method: clinical testing. Allele origin: germline.
Comment: This variant has not been reported in the literature in individuals affected with APC-related conditions. This sequence change replaces isoleucine, which is neutral and non-polar, with threonine, which is neutral and polar, at codon 1311 of the APC protein (p.Ile1311Thr). This variant is not present in population databases (gnomAD no frequency). ClinVar contains an entry for this variant (Variation ID: 489449). Advanced modeling of protein sequence and biophysical properties (such as structural, functional, and spatial information, amino acid conservation, physicochemical variation, residue mobility, and thermodynamic stability) performed at Invitae indicates that this missense variant is not expected to disrupt APC protein function. In summary, the available evidence is currently insufficient to determine the role of this variant in disease. Therefore, it has been classified as a Variant of Uncertain Significance.

Color Diagnostics, LLC DBA Color Health
Classification: Uncertain significance for Hereditary cancer-predisposing syndrome. Last evaluated: 2021-02-11. Review status: criteria provided, single submitter. Criteria: ACMG Guidelines, 2015. Collection method: clinical testing. Allele origin: germline.
Comment: This missense variant replaces isoleucine with threonine at codon 1311 of the APC protein. Computational prediction suggests that this variant may not impact protein structure and function (internally defined REVEL score threshold <= 0.5, PMID: 27666373). To our knowledge, functional studies have not been reported for this variant. This variant has not been reported in individuals affected with hereditary cancer in the literature. This variant has not been identified in the general population by the Genome Aggregation Database (gnomAD). The available evidence is insufficient to determine the role of this variant in disease conclusively. Therefore, this variant is classified as a Variant of Uncertain Significance.